The following is an entry in ClinVar:

NM_001366521.1(ATP2B1):c.2887C>T (p.Pro963Ser)

Gene: ATP2B1 (ATPase plasma membrane Ca2+ transporting 1; minus strand). Cytogenetic location: 12q21.33.
Variant type: single nucleotide variant.
Coding change: c.2887C>T on transcript NM_001366521.1 (MANE Select); coding-DNA position 2887, C replaced by T.
Protein change: p.Pro963Ser; replaces proline 963 with serine.
Molecular consequence: missense variant. On other transcripts: non-coding transcript variant (3).
Genome position (GRCh38, 1-based): chr12:89,603,216, G>A on the plus strand (C>T on the coding strand, the complement: ATP2B1 is on the minus strand). VCF-style: chr12-89603216-G-A. GRCh37 (hg19) VCF-style: chr12-89996993-G-A.
Other names: c.2887C>T, p.Pro963Ser (NM_001001323.2, NM_001366520.1, NM_001366522.1 and 12 more transcripts); c.2689C>T, p.Pro897Ser (NM_001366530.1, NM_001413053.1); c.2326C>T, p.Pro776Ser (NM_001366531.1, NM_001366532.1, NM_001413058.1 and 2 more transcripts); c.2848C>T, p.Pro950Ser (NM_001413048.1); c.2746C>T, p.Pro916Ser (NM_001413051.1, NM_001413052.1, NM_001413055.1); c.2644C>T, p.Pro882Ser (NM_001413054.1); c.2632C>T, p.Pro878Ser (NM_001413056.1); c.2434C>T, p.Pro812Ser (NM_001413057.1); short protein forms P776S, P812S, P878S, P882S, P897S, P916S, P950S, P963S.
Identifiers: ClinVar variation 4685160 (VCV004685160.1).

ClinVar aggregate classification (germline): Uncertain significance (1 of 4 stars; one submission).

gnomAD v4.1: 1 of 1,610,954 alleles (0.000062%); highest among the groups gnomAD compares: Non-Finnish European, 0.000085%; no homozygotes.

Submission:

GeneDx
Classification: Uncertain significance. Last evaluated: 2025-06-25. Review status: criteria provided, single submitter. Criteria: GeneDx Variant Classification Process June 2021. Collection method: clinical testing. Allele origin: germline. Affected: yes.
Comment: Not observed at significant frequency in large population cohorts (gnomAD); In silico analysis supports that this missense variant has a deleterious effect on protein structure/function; Has not been previously published as pathogenic or benign to our knowledge